The following is an entry in ClinVar:

ClinVar aggregate classification (germline): Uncertain significance (1 of 4 stars; one submission).

Conditions:
Inborn genetic diseases. Identifiers: MedGen C0950123, MeSH D030342.

Submission:

Ambry Genetics
Classification: Uncertain significance for Inborn genetic diseases. Last evaluated: 2025-07-25. Review status: criteria provided, single submitter. Criteria: Ambry Variant Classification Scheme 2023. Collection method: clinical testing. Allele origin: germline.
Comment: The p.A85T variant (also known as c.253G>A), located in coding exon 3 of the FANCG gene, results from a G to A substitution at nucleotide position 253. The alanine at codon 85 is replaced by threonine, an amino acid with similar properties. This amino acid position is conserved. In addition, this alteration is predicted to be tolerated by in silico analysis. Based on the available evidence, the clinical significance of this variant remains unclear.

NM_004629.2(FANCG):c.253G>A (p.Ala85Thr)

Gene: FANCG (FA complementation group G; minus strand). Cytogenetic location: 9p13.3.
Variant type: single nucleotide variant.
Coding change: c.253G>A on transcript NM_004629.2 (MANE Select); coding-DNA position 253, G replaced by A.
Protein change: p.Ala85Thr; replaces alanine 85 with threonine.
Molecular consequence: missense variant.
Genome position (GRCh38, 1-based): chr9:35,078,659, C>T on the plus strand (G>A on the coding strand, the complement: FANCG is on the minus strand). VCF-style: chr9-35078659-C-T. GRCh37 (hg19) VCF-style: chr9-35078656-C-T.
Other names: short protein forms A85T.
Identifiers: ClinVar variation 4254456 (VCV004254456.1).
Genomic context (GRCh38, chr9:35,078,659, plus strand): 5'-CCTCACCTCTCTCTAGGCTCCGCTGGATATCCTGGGCCTGATCCTCTGTGAAACCCTGGG[C>T]CAAGCTTGCCCTCAGGATAATGAAGTTGCAGGTGACAGTCAGCTCCAAGGGAAGAACAGG-3'
Protein context (NP_004620.1, residues 75-95): CNFIILRASL[Ala85Thr]QGFTEDQAQD